The following is an entry in ClinVar:

NM_021954.4(GJA3):c.1060C>G (p.Pro354Ala)

Gene: GJA3 (gap junction protein alpha 3; minus strand). Cytogenetic location: 13q12.11.
Variant type: single nucleotide variant.
Coding change: c.1060C>G on transcript NM_021954.4 (MANE Select); coding-DNA position 1060, C replaced by G.
Protein change: p.Pro354Ala; replaces proline 354 with alanine.
Molecular consequence: missense variant.
Genome position (GRCh38, 1-based): chr13:20,142,229, G>C on the plus strand (C>G on the coding strand, the complement: GJA3 is on the minus strand). VCF-style: chr13-20142229-G-C. GRCh37 (hg19) VCF-style: chr13-20716368-G-C.
Other names: short protein forms P354A.
Identifiers: ClinVar variation 798236 (VCV000798236.13), dbSNP rs770718484, ClinGen allele CA6903992.

ClinVar aggregate classification (germline): Conflicting classifications of pathogenicity. Review status: criteria provided, conflicting classifications (1 of 4 stars). 3 submissions from 3 submitters: Uncertain significance (1); Benign (1). 1 of the submissions does not count toward it. Last evaluated 2026-01-03.

Conditions:
GJA3-related disorder. Also called: GJA3-related condition.
Inborn genetic diseases. Identifiers: MedGen C0950123, MeSH D030342.
Cataract 14 multiple types. Also called: CATARACT 14, ZONULAR PULVERULENT; CATARACT 14, NUCLEAR PULVERULENT; CATARACT 14, NUCLEAR PULVERULENT AND POSTERIOR POLAR; CATARACT 14, NUCLEAR CORALLIFORM; CATARACT 14, EMBRYONAL NUCLEAR; CATARACT 14, COPPOCK-LIKE. Identifiers: Orphanet 91492, MedGen C1866078, MONDO:0011162, OMIM 601885.

Allele frequency attached by ClinVar (database versions not stated): ExAC below 0.00001; TOPMed 0.00028; gnomAD exomes 0.00031.
gnomAD v4.1: 54 of 1,528,982 alleles (0.0035%); highest among the groups gnomAD compares: Admixed American, 0.11%; 1 homozygote.

Submissions (3):

Labcorp Genetics (formerly Invitae), Labcorp
Classification: Benign for Cataract 14 multiple types. Last evaluated: 2026-01-03. Review status: criteria provided, single submitter. Criteria: Invitae Variant Classification Sherloc (09022015). Collection method: clinical testing. Allele origin: germline.

Ambry Genetics
Classification: Uncertain significance for Inborn genetic diseases. Last evaluated: 2021-12-13. Review status: criteria provided, single submitter. Criteria: Ambry Variant Classification Scheme 2023. Collection method: clinical testing. Allele origin: germline.

PreventionGenetics, part of Exact Sciences
Classification: Likely benign for GJA3-related condition. Last evaluated: 2022-09-01. Review status: no assertion criteria provided. Collection method: clinical testing. Allele origin: germline. Not counted in ClinVar's aggregate classification.
Comment: This variant is classified as likely benign based on ACMG/AMP sequence variant interpretation guidelines (Richards et al. 2015 PMID: 25741868, with internal and published modifications).